The following is an entry in ClinVar:

ClinVar aggregate classification (germline): Uncertain significance (1 of 4 stars; one submission).

Conditions:
Hereditary spastic paraplegia 4. Also called: Spastic paraplegia 4, autosomal dominant; Spastic Paraplegia 4; Familial spastic paraplegia autosomal dominant 2. Identifiers: Orphanet 100985, MedGen C1866855, MONDO:0008438, OMIM 182601.

gnomAD v4.1: 3 of 1,610,596 alleles (0.00019%); highest among the groups gnomAD compares: East Asian, 0.0022%; no homozygotes.

Submission:

Labcorp Genetics (formerly Invitae), Labcorp
Classification: Uncertain significance for Hereditary spastic paraplegia 4. Last evaluated: 2025-08-18. Review status: criteria provided, single submitter. Criteria: Invitae Variant Classification Sherloc (09022015). Collection method: clinical testing. Allele origin: germline.
Comment: This sequence change replaces alanine, which is neutral and non-polar, with glutamic acid, which is acidic and polar, at codon 88 of the SPAST protein (p.Ala88Glu). This variant is present in population databases (no rsID available, gnomAD 0.006%). This variant has not been reported in the literature in individuals affected with SPAST-related conditions. ClinVar contains an entry for this variant (Variation ID: 3633896). Invitae Evidence Modeling of protein sequence and biophysical properties (such as structural, functional, and spatial information, amino acid conservation, physicochemical variation, residue mobility, and thermodynamic stability) has been performed for this missense variant. However, the output from this modeling did not meet the statistical confidence thresholds required to predict the impact of this variant on SPAST protein function. In summary, the available evidence is currently insufficient to determine the role of this variant in disease. Therefore, it has been classified as a Variant of Uncertain Significance.

NM_014946.4(SPAST):c.263C>A (p.Ala88Glu)

Gene: SPAST (spastin; plus strand). Cytogenetic location: 2p22.3.
Variant type: single nucleotide variant.
Coding change: c.263C>A on transcript NM_014946.4 (MANE Select); coding-DNA position 263, C replaced by A.
Protein change: p.Ala88Glu; replaces alanine 88 with glutamic acid.
Molecular consequence: missense variant.
Genome position (GRCh38, 1-based): chr2:32,064,094, C>A. VCF-style: chr2-32064094-C-A. GRCh37 (hg19) VCF-style: chr2-32289163-C-A.
Other names: c.263C>A, p.Ala88Glu (NM_001363823.2, NM_001363875.2, NM_001377959.1 and 1 more transcripts); short protein forms A88E.
Identifiers: ClinVar variation 3633896 (VCV003633896.2).